The following is an entry in ClinVar:

ClinVar aggregate classification (germline): Uncertain significance (1 of 4 stars; one submission).

Conditions:
Gastrointestinal stromal tumor. Also called: Gastrointestinal stromal tumor, somatic; Gastrointestinal stroma tumor. Identifiers: Orphanet 44890, MedGen C0238198, MeSH D046152, MONDO:0011719, OMIM 606764, HP:0100723.

Submission:

Labcorp Genetics (formerly Invitae), Labcorp
Classification: Uncertain significance for Gastrointestinal stromal tumor. Last evaluated: 2024-11-17. Review status: criteria provided, single submitter. Criteria: Invitae Variant Classification Sherloc (09022015). Collection method: clinical testing. Allele origin: germline.
Comment: This sequence change replaces serine, which is neutral and polar, with cysteine, which is neutral and slightly polar, at codon 1016 of the PDGFRA protein (p.Ser1016Cys). This variant is not present in population databases (gnomAD no frequency). This variant has not been reported in the literature in individuals affected with PDGFRA-related conditions. Invitae Evidence Modeling of protein sequence and biophysical properties (such as structural, functional, and spatial information, amino acid conservation, physicochemical variation, residue mobility, and thermodynamic stability) indicates that this missense variant is not expected to disrupt PDGFRA protein function with a negative predictive value of 80%. In summary, the available evidence is currently insufficient to determine the role of this variant in disease. Therefore, it has been classified as a Variant of Uncertain Significance.

NM_006206.6(PDGFRA):c.3046A>T (p.Ser1016Cys)

Gene: PDGFRA (platelet derived growth factor receptor alpha; plus strand). Cytogenetic location: 4q12.
Variant type: single nucleotide variant.
Coding change: c.3046A>T on transcript NM_006206.6 (MANE Select); coding-DNA position 3046, A replaced by T.
Protein change: p.Ser1016Cys; replaces serine 1016 with cysteine.
Molecular consequence: missense variant.
Genome position (GRCh38, 1-based): chr4:54,290,478, A>T. VCF-style: chr4-54290478-A-T. GRCh37 (hg19) VCF-style: chr4-55156645-A-T.
Other names: c.3121A>T, p.Ser1041Cys (NM_001347828.2); c.3046A>T, p.Ser1016Cys (NM_001347829.2); c.3085A>T, p.Ser1029Cys (NM_001347830.2); short protein forms S1016C, S1029C, S1041C.
Identifiers: ClinVar variation 3730059 (VCV003730059.2).